The following is an entry in ClinVar:

NM_001273.5(CHD4):c.2083C>T (p.Arg695Trp)

Gene: CHD4 (chromodomain helicase DNA binding protein 4; minus strand). Cytogenetic location: 12p13.31.
Variant type: single nucleotide variant.
Coding change: c.2083C>T on transcript NM_001273.5 (MANE Select); coding-DNA position 2083, C replaced by T.
Protein change: p.Arg695Trp; replaces arginine 695 with tryptophan.
Molecular consequence: missense variant.
Genome position (GRCh38, 1-based): chr12:6,595,372, G>A on the plus strand (C>T on the coding strand, the complement: CHD4 is on the minus strand). VCF-style: chr12-6595372-G-A. GRCh37 (hg19) VCF-style: chr12-6704538-G-A.
Other names: c.2062C>T, p.Arg688Trp (NM_001297553.2); c.2044C>T, p.Arg682Trp (NM_001363606.2); short protein forms R682W, R695W, R688W.
Identifiers: ClinVar variation 3676825 (VCV003676825.2).
Genomic context (GRCh38, chr12:6,595,372, plus strand): 5'-AGTCCCTTCCACCCCCACTCACATCAACTGTTGGCGTTTCTGGAGGCCTCTCCAACTTCC[G>A]AAGCTTCACCTTCTTGAGCTTCTTGCCTGGTCGGCCTTCCTCACCCCTCATTAACTCCCT-3'
Protein context (NP_001264.2, residues 685-705): PGKKLKKVKL[Arg695Trp]KLERPPETPT

ClinVar aggregate classification (germline): Uncertain significance (1 of 4 stars; one submission).

gnomAD v4.1: 19 of 1,613,880 alleles (0.0012%); highest among the groups gnomAD compares: Non-Finnish European, 0.0015%; no homozygotes.

Submission:

Labcorp Genetics (formerly Invitae), Labcorp
Classification: Uncertain significance. Last evaluated: 2024-06-22. Review status: criteria provided, single submitter. Criteria: Invitae Variant Classification Sherloc (09022015). Collection method: clinical testing. Allele origin: germline.
Comment: This sequence change replaces arginine, which is basic and polar, with tryptophan, which is neutral and slightly polar, at codon 695 of the CHD4 protein (p.Arg695Trp). This variant is present in population databases (no rsID available, gnomAD 0.007%). This variant has not been reported in the literature in individuals affected with CHD4-related conditions. Advanced modeling of protein sequence and biophysical properties (such as structural, functional, and spatial information, amino acid conservation, physicochemical variation, residue mobility, and thermodynamic stability) performed at Invitae indicates that this missense variant is not expected to disrupt CHD4 protein function with a negative predictive value of 80%. In summary, the available evidence is currently insufficient to determine the role of this variant in disease. Therefore, it has been classified as a Variant of Uncertain Significance.